The following is an entry in ClinVar:

ClinVar aggregate classification (germline): Pathogenic. Review status: criteria provided, multiple submitters, no conflicts (2 of 4 stars). 3 submissions from 3 submitters: Pathogenic (2). 1 of the submissions does not count toward it. Last evaluated 2018-04-16.

Conditions:
Congenital NAD deficiency disorder. Identifiers: MedGen CN241975.
Vertebral, cardiac, renal, and limb defects syndrome 1. Also called: 3-HYDROXYANTHRANILIC ACIDEMIA; CONGENITAL NAD DEFICIENCY DISORDER 1. Identifiers: MedGen C4540004, MONDO:0060554, OMIM 617660.

Submissions (3):

SIB Swiss Institute of Bioinformatics
Classification: Pathogenic for Vertebral, cardiac, renal, and limb defects syndrome 1. Last evaluated: 2018-04-16. Review status: criteria provided, single submitter. Criteria: ACMG Guidelines, 2015. Collection method: curation. Allele origin: germline.
Comment: This variant is interpreted as a Pathogenic, for Vertebral, cardiac, renal, and limb defects syndrome 1, Autosomal Recessive inheritance. The following ACMG Tag(s) were applied: PM2 => Absent from controls (or at extremely low frequency if recessive) in Exome Sequencing Project, 1000 Genomes Project, or Exome Aggregation Consortium. PVS1-Strong => PVS1 downgraded in strength to Strong. PS3 => Well-established functional studies show a deleterious effect (PMID:28792876).

Embryology Laboratory, Victor Chang Cardiac Research Institute
Classification: Pathogenic for Congenital NAD deficiency disorder. Last evaluated: 2016-12-23. Review status: criteria provided, single submitter. Criteria: ACMG Guidelines, 2015. Collection method: research. Allele origin: germline. Inheritance: Autosomal recessive inheritance. Affected: yes. Observed: 1 variant allele, 1 homozygote. Functional consequence: loss_of_function_variant, effect on catalytic protein function.
Comment: This variant was discovered in a consanguineous family of Middle East origin. This variant is a protein truncating variant and novel (ExAC MAF 0). Enzyme assay confirmed that the protein product of this gene variant has lost enzyme activity. Mouse embryos homozygous null for Haao presented similar phenotype as observed in the patient, and also showed reduced concentration of NAD in the embryonic tissue.

OMIM
Classification: Pathogenic for VERTEBRAL, CARDIAC, RENAL, AND LIMB DEFECTS SYNDROME 1. Last evaluated: 2017-09-21. Review status: no assertion criteria provided. Collection method: literature only. Allele origin: germline. Not counted in ClinVar's aggregate classification.

Literature cited by the submitters: PubMed 28792876 (cited by 3 submitters).

NM_012205.3(HAAO):c.558G>A (p.Trp186Ter)

Gene: HAAO (3-hydroxyanthranilate 3,4-dioxygenase; minus strand). Cytogenetic location: 2p21.
Variant type: single nucleotide variant.
Coding change: c.558G>A on transcript NM_012205.3 (MANE Select); coding-DNA position 558, G replaced by A.
Protein change: p.Trp186Ter; replaces tryptophan 186 with a stop codon.
Molecular consequence: nonsense.
Genome position (GRCh38, 1-based): chr2:42,769,785, C>T on the plus strand (G>A on the coding strand, the complement: HAAO is on the minus strand). VCF-style: chr2-42769785-C-T. GRCh37 (hg19) VCF-style: chr2-42996925-C-T.
Other names: NM_012205.2:c.558G>A(p.Trp186Ter); short protein forms W186*.
Identifiers: ClinVar variation 403728 (VCV000403728.3), dbSNP rs1135401743, ClinGen allele CA346635341.